The following is an entry in ClinVar:

NM_145331.3(MAP3K7):c.439A>G (p.Met147Val)

Gene: MAP3K7 (mitogen-activated protein kinase kinase kinase 7; minus strand). Cytogenetic location: 6q15.
Variant type: single nucleotide variant.
Coding change: c.439A>G on transcript NM_145331.3 (MANE Select); coding-DNA position 439, A replaced by G.
Protein change: p.Met147Val; replaces methionine 147 with valine.
Molecular consequence: missense variant.
Genome position (GRCh38, 1-based): chr6:90,560,119, T>C on the plus strand (A>G on the coding strand, the complement: MAP3K7 is on the minus strand). VCF-style: chr6-90560119-T-C. GRCh37 (hg19) VCF-style: chr6-91269838-T-C.
Other names: c.439A>G, p.Met147Val (NM_003188.4, NM_145332.3, NM_145333.3); short protein forms M147V.
Identifiers: ClinVar variation 2499409 (VCV002499409.2), dbSNP rs2481840289, ClinGen allele CA365015162.

ClinVar aggregate classification (germline): Uncertain significance (1 of 4 stars; one submission).

Submission:

GeneDx
Classification: Uncertain significance. Last evaluated: 2026-09-08. Review status: criteria provided, single submitter. Criteria: GeneDx Variant Classification Process June 2021. Collection method: clinical testing. Allele origin: germline.
Comment: Not observed at significant frequency in large population cohorts (gnomAD); In silico analysis supports that this missense variant has a deleterious effect on protein structure/function; Has not been previously published as pathogenic or benign to our knowledge